The following is an entry in ClinVar:

ClinVar aggregate classification (germline): Benign/Likely benign. Review status: criteria provided, multiple submitters, no conflicts (2 of 4 stars). 9 submissions from 8 submitters: Benign (2); Likely benign (7). Last evaluated 2025-06-23.

Conditions:
Macrothrombocytopenia and granulocyte inclusions with or without nephritis or sensorineural hearing loss (MATINS). Also called: BLEEDING DISORDER, PLATELET-TYPE, 6; DOHLE LEUKOCYTE INCLUSIONS WITH GIANT PLATELETS; MACROTHROMBOCYTOPENIA WITH LEUKOCYTE INCLUSIONS; SEBASTIAN PLATELET SYNDROME; MACROTHROMBOCYTOPENIA WITH DISPERSED LEUKOCYTIC INCLUSIONS; MACROTHROMBOCYTOPENIA, NEPHRITIS, AND DEAFNESS. Identifiers: Orphanet 182050, MedGen C5200934, MONDO:0015912, OMIM 155100.
Autosomal dominant nonsyndromic hearing loss 17. Also called: Deafness, autosomal dominant 17; Autosomal dominant nonsyndromic deafness 17. Identifiers: Orphanet 90635, MedGen C1863659, MONDO:0011350, OMIM 603622.
MYH9-related disorder. Identifiers: MedGen C1854520.

Allele frequency attached by ClinVar (database versions not stated): gnomAD exomes 0.00006 and 0.00019; ExAC 0.00026; ESP Exome Variant Server 0.00038; TOPMed 0.00068; gnomAD 0.00085 and 0.00088; 1000 Genomes Project 0.00140; 1000 Genomes Project 30x 0.00141.
gnomAD v4.1: 225 of 1,613,240 alleles (0.014%); highest among the groups gnomAD compares: African/African-American, 0.28%; 1 homozygote.

Submissions (9):

Labcorp Genetics (formerly Invitae), Labcorp
Classification: Benign. Last evaluated: 2025-06-23. Review status: criteria provided, single submitter. Criteria: Invitae Variant Classification Sherloc (09022015). Collection method: clinical testing. Allele origin: germline.

Blueprint Genetics
Classification: Likely benign. Last evaluated: 2022-11-07. Review status: criteria provided, single submitter. Criteria: ACMG Guidelines, 2015. Collection method: clinical testing. Allele origin: germline.

Fulgent Genetics
Classification: Likely benign for Macrothrombocytopenia and granulocyte inclusions with or without nephritis or sensorineural hearing loss; Autosomal dominant nonsyndromic hearing loss 17. Last evaluated: 2021-08-20. Review status: criteria provided, single submitter. Criteria: ACMG Guidelines, 2015. Collection method: clinical testing. Allele origin: unknown.

GeneDx
Classification: Likely benign. Last evaluated: 2021-06-15. Review status: criteria provided, single submitter. Criteria: GeneDx Variant Classification Process June 2021. Collection method: clinical testing. Allele origin: germline. Affected: yes.

Illumina Laboratory Services, Illumina
Classification: Likely benign for Autosomal dominant nonsyndromic hearing loss 17. Last evaluated: 2018-01-12. Review status: criteria provided, single submitter. Criteria: ICSL Variant Classification Criteria 13 December 2019. Collection method: clinical testing. Allele origin: germline.
Comment: This variant was observed in the ICSL laboratory as part of a predisposition screen in an ostensibly healthy population. It had not been previously curated by ICSL or reported in the Human Gene Mutation Database (HGMD: prior to June 1st, 2018), and was therefore a candidate for classification through an automated scoring system. Utilizing variant allele frequency, disease prevalence and penetrance estimates, and inheritance mode, an automated score was calculated to assess if this variant is too frequent to cause the disease. Based on the score and internal cut-off values, a variant classified as likely benign is not then subjected to further curation. The score for this variant resulted in a classification of likely benign for this disease.

Illumina Laboratory Services, Illumina
Classification: Benign for MYH9-related disorder. Last evaluated: 2018-01-12. Review status: criteria provided, single submitter. Criteria: ICSL Variant Classification Criteria 13 December 2019. Collection method: clinical testing. Allele origin: germline.
Comment: This variant was observed in the ICSL laboratory as part of a predisposition screen in an ostensibly healthy population. It had not been previously curated by ICSL or reported in the Human Gene Mutation Database (HGMD: prior to June 1st, 2018), and was therefore a candidate for classification through an automated scoring system. Utilizing variant allele frequency, disease prevalence and penetrance estimates, and inheritance mode, an automated score was calculated to assess if this variant is too frequent to cause the disease. Based on the score and internal cut-off values, a variant classified as benign is not then subjected to further curation. The score for this variant resulted in a classification of benign for this disease.

Laboratory for Molecular Medicine, Mass General Brigham Personalized Medicine
Classification: Likely benign. Last evaluated: 2012-04-30. Review status: criteria provided, single submitter. Criteria: LMM Criteria. Collection method: clinical testing. Allele origin: germline. Observed: 1 variant allele.
Comment: Glu1670Glu in Exon 35 of MYH9: This variant is not expected to have clinical sig nificance because it does not alter an amino acid residue, is not located within the splice consensus sequence, and has been identified in 0.1% (3/3738) of Afri can American chromosomes from a broad population by the NHLBI Exome Sequencing P roject (dbSNP rs76069100).

Breakthrough Genomics
Classification: Likely benign. Review status: criteria provided, single submitter. Criteria: ACMG Guidelines, 2015. Collection method: not provided. Allele origin: germline. Inheritance: Autosomal dominant inheritance. Affected: yes.

PreventionGenetics, part of Exact Sciences
Classification: Likely benign. Review status: criteria provided, single submitter. Criteria: ACMG Guidelines, 2015. Collection method: clinical testing. Allele origin: germline.

NM_002473.6(MYH9):c.5010G>A (p.Glu1670=)

Gene: MYH9 (myosin heavy chain 9; minus strand). Cytogenetic location: 22q12.3.
Variant type: single nucleotide variant.
Coding change: c.5010G>A on transcript NM_002473.6 (MANE Select); coding-DNA position 5010, G replaced by A.
Protein change: p.Glu1670=; no amino-acid change (glutamic acid 1670 retained).
Molecular consequence: synonymous variant.
Genome position (GRCh38, 1-based): chr22:36,286,769, C>T on the plus strand (G>A on the coding strand, the complement: MYH9 is on the minus strand). VCF-style: chr22-36286769-C-T. GRCh37 (hg19) VCF-style: chr22-36682815-C-T.
Identifiers: ClinVar variation 178428 (VCV000178428.22), dbSNP rs76069100, ClinGen allele CA182311.